The following is an entry in ClinVar:

ClinVar aggregate classification (germline): Pathogenic/Likely pathogenic. Review status: criteria provided, multiple submitters, no conflicts (2 of 4 stars). 2 submissions from 2 submitters: Pathogenic (1); Likely pathogenic (1). Last evaluated 2026-07-25.

Conditions:
Neurodevelopmental disorder with hypotonia, seizures, and absent language (NDHSAL). Identifiers: MedGen C4310643, MONDO:0014995, OMIM 617268.

Submissions (2):

GeneDx
Classification: Pathogenic. Last evaluated: 2026-07-25. Review status: criteria provided, single submitter. Criteria: GeneDx Variant Classification Process June 2021. Collection method: clinical testing. Allele origin: germline.
Comment: Reported as a de novo variant in two individuals with neurodevelopmental delays in the published literature (PMID: 34321324); Not observed at significant frequency in large population cohorts (gnomAD); In silico analysis supports that this missense variant has a deleterious effect on protein structure/function; This variant is associated with the following publications: (PMID: 33057194, 35982159, 34321324)

Center for Statistical Genetics, Columbia University
Classification: Likely pathogenic for Neurodevelopmental disorder with hypotonia, seizures, and absent language. Last evaluated: 2021-03-17. Review status: criteria provided, single submitter. Criteria: ACMG Guidelines, 2015. Collection method: clinical testing. Allele origin: de novo. Affected: yes.
Comment: Identified in 2 unrelated cases with a neurodevelopmental disorder.

NM_001348768.2(HECW2):c.3597C>A (p.Asn1199Lys)

Gene: HECW2 (HECT, C2 and WW domain containing E3 ubiquitin protein ligase 2; minus strand). Cytogenetic location: 2q32.3.
Variant type: single nucleotide variant.
Coding change: c.3597C>A on transcript NM_001348768.2 (MANE Select); coding-DNA position 3597, C replaced by A.
Protein change: p.Asn1199Lys; replaces asparagine 1199 with lysine.
Molecular consequence: missense variant.
Genome position (GRCh38, 1-based): chr2:196,242,137, G>T on the plus strand (C>A on the coding strand, the complement: HECW2 is on the minus strand). VCF-style: chr2-196242137-G-T. GRCh37 (hg19) VCF-style: chr2-197106861-G-T.
Other names: c.3597C>A (NM_020760.1); c.2529C>A, p.Asn843Lys (NM_001304840.3); c.3597C>A, p.Asn1199Lys (NM_020760.4); short protein forms N1199K, N843K.
Identifiers: ClinVar variation 1027612 (VCV001027612.7), dbSNP rs1688479407, ClinGen allele CA349954933.